The following is an entry in ClinVar:

NM_001370298.3(FGD4):c.1079A>C (p.Asn360Thr)

Gene: FGD4 (FYVE, RhoGEF and PH domain containing 4; plus strand). Cytogenetic location: 12p11.21.
Variant type: single nucleotide variant.
Coding change: c.1079A>C on transcript NM_001370298.3 (MANE Select); coding-DNA position 1079, A replaced by C.
Protein change: p.Asn360Thr; replaces asparagine 360 with threonine.
Molecular consequence: missense variant. On other transcripts: 5 prime UTR variant (2).
Genome position (GRCh38, 1-based): chr12:32,598,564, A>C. VCF-style: chr12-32598564-A-C. GRCh37 (hg19) VCF-style: chr12-32751498-A-C.
Other names: c.923A>C, p.Asn308Thr (NM_001304481.2); c.-177A>C (NM_001304483.2); c.-484A>C (NM_001304484.2); c.389A>C, p.Asn130Thr (NM_001330373.2, NM_001330374.2, NM_001384130.1); c.116A>C, p.Asn39Thr (NM_001370297.1); c.1079A>C, p.Asn360Thr (NM_001384126.1); c.668A>C, p.Asn223Thr (NM_001384127.1, NM_001384128.1, NM_001385118.1 and 1 more transcripts); short protein forms N130T, N360T, N223T, N308T, N39T.
Identifiers: ClinVar variation 2137246 (VCV002137246.2), dbSNP rs112899584, ClinGen allele CA235204118.

ClinVar aggregate classification (germline): Uncertain significance (1 of 4 stars; one submission).

Conditions:
Charcot-Marie-Tooth disease type 4. Also called: Charcot-Marie-Tooth disease, type IV; Charcot-Marie-Tooth, Type 4. Identifiers: Orphanet 64749, MedGen C4082197, MONDO:0018995.

gnomAD v4.1: 16 of 1,613,726 alleles (0.00099%); highest among the groups gnomAD compares: Middle Eastern, 0.017%; no homozygotes.

Submission:

Labcorp Genetics (formerly Invitae), Labcorp
Classification: Uncertain significance for Charcot-Marie-Tooth disease type 4. Last evaluated: 2021-11-16. Review status: criteria provided, single submitter. Criteria: Invitae Variant Classification Sherloc (09022015). Collection method: clinical testing. Allele origin: germline.
Comment: In summary, the available evidence is currently insufficient to determine the role of this variant in disease. Therefore, it has been classified as a Variant of Uncertain Significance. Algorithms developed to predict the effect of missense changes on protein structure and function (SIFT, PolyPhen-2, Align-GVGD) all suggest that this variant is likely to be tolerated. This variant has not been reported in the literature in individuals affected with FGD4-related conditions. This variant is present in population databases (rs112899584, gnomAD 0.003%). This sequence change replaces asparagine, which is neutral and polar, with threonine, which is neutral and polar, at codon 223 of the FGD4 protein (p.Asn223Thr).